The following is an entry in ClinVar:

ClinVar aggregate classification (germline): Uncertain significance (1 of 4 stars; one submission).

Conditions:
Familial focal epilepsy with variable foci (FPEVF). Identifiers: Orphanet 98820, MedGen C1858477, MONDO:0020310.

Submission:

Labcorp Genetics (formerly Invitae), Labcorp
Classification: Uncertain significance for Familial focal epilepsy with variable foci. Last evaluated: 2025-03-10. Review status: criteria provided, single submitter. Criteria: Invitae Variant Classification Sherloc (09022015). Collection method: clinical testing. Allele origin: germline.
Comment: This sequence change replaces lysine, which is basic and polar, with arginine, which is basic and polar, at codon 609 of the DEPDC5 protein (p.Lys609Arg). This variant is not present in population databases (gnomAD no frequency). This variant has not been reported in the literature in individuals affected with DEPDC5-related conditions. Experimental studies and prediction algorithms are not available or were not evaluated, and the functional significance of this variant is currently unknown. In summary, the available evidence is currently insufficient to determine the role of this variant in disease. Therefore, it has been classified as a Variant of Uncertain Significance.

NM_001242896.3(DEPDC5):c.1826A>G (p.Lys609Arg)

Gene: DEPDC5 (DEP domain containing 5, GATOR1 subcomplex subunit; plus strand). Cytogenetic location: 22q12.3.
Variant type: single nucleotide variant.
Coding change: c.1826A>G on transcript NM_001242896.3 (MANE Select); coding-DNA position 1826, A replaced by G.
Protein change: p.Lys609Arg; replaces lysine 609 with arginine.
Molecular consequence: missense variant. On other transcripts: non-coding transcript variant (5).
Genome position (GRCh38, 1-based): chr22:31,819,181, A>G. VCF-style: chr22-31819181-A-G. GRCh37 (hg19) VCF-style: chr22-32215167-A-G.
Other names: c.1826A>G, p.Lys609Arg (NM_001136029.4, NM_001242897.2, NM_001363852.2 and 6 more transcripts); c.1742A>G, p.Lys581Arg (NM_001369901.1, NM_001369902.1); short protein forms K609R, K581R.
Identifiers: ClinVar variation 3657458 (VCV003657458.2).